The following is an entry in ClinVar:

NM_006231.4(POLE):c.1195G>C (p.Ala399Pro)

Gene: POLE (DNA polymerase epsilon, catalytic subunit; minus strand). Cytogenetic location: 12q24.33.
Variant type: single nucleotide variant.
Coding change: c.1195G>C on transcript NM_006231.4 (MANE Select); coding-DNA position 1195, G replaced by C.
Protein change: p.Ala399Pro; replaces alanine 399 with proline.
Molecular consequence: missense variant.
Genome position (GRCh38, 1-based): chr12:132,675,429, C>G on the plus strand (G>C on the coding strand, the complement: POLE is on the minus strand). VCF-style: chr12-132675429-C-G. GRCh37 (hg19) VCF-style: chr12-133252015-C-G.
Other names: short protein forms A399P.
Identifiers: ClinVar variation 1490796 (VCV001490796.6), dbSNP rs2136008572, ClinGen allele CA387360813.
Genomic context (GRCh38, chr12:132,675,429, plus strand): 5'-GAGGAGCCATGCTGCTCTGTGGCCCCTACCTGAGGCAGTCCATGTGGATGCACTGGGGCG[C>G]CTTGTACTCCCCCTGGCTGTCCTTCTGGAAGCCTATCTCCTGCTGCATGCTCAGACCGTG-3'
Protein context (NP_006222.2, residues 389-409): FQKDSQGEYK[Ala399Pro]PQCIHMDCLR

ClinVar aggregate classification (germline): Uncertain significance (1 of 4 stars; one submission).

Submission:

Labcorp Genetics (formerly Invitae), Labcorp
Classification: Uncertain significance. Last evaluated: 2022-08-15. Review status: criteria provided, single submitter. Criteria: Invitae Variant Classification Sherloc (09022015). Collection method: clinical testing. Allele origin: germline.
Comment: In summary, the available evidence is currently insufficient to determine the role of this variant in disease. Therefore, it has been classified as a Variant of Uncertain Significance. Algorithms developed to predict the effect of missense changes on protein structure and function are either unavailable or do not agree on the potential impact of this missense change (SIFT: "Deleterious"; PolyPhen-2: "Possibly Damaging"; Align-GVGD: "Class C0"). ClinVar contains an entry for this variant (Variation ID: 1490796). This variant has not been reported in the literature in individuals affected with POLE-related conditions. This variant is not present in population databases (gnomAD no frequency). This sequence change replaces alanine, which is neutral and non-polar, with proline, which is neutral and non-polar, at codon 399 of the POLE protein (p.Ala399Pro).